The following is an entry in ClinVar:

NM_021831.6(AGBL5):c.1655T>C (p.Val552Ala)

Gene: AGBL5 (AGBL carboxypeptidase 5; plus strand). Cytogenetic location: 2p23.3.
Variant type: single nucleotide variant.
Coding change: c.1655T>C on transcript NM_021831.6 (MANE Select); coding-DNA position 1655, T replaced by C.
Protein change: p.Val552Ala; replaces valine 552 with alanine.
Molecular consequence: missense variant. On other transcripts: non-coding transcript variant (2).
Genome position (GRCh38, 1-based): chr2:27,057,422, T>C. VCF-style: chr2-27057422-T-C. GRCh37 (hg19) VCF-style: chr2-27280290-T-C.
Other names: c.1655T>C (NM_021831.5); c.1655T>C, p.Val552Ala (NM_001035507.3); short protein forms V552A.
Identifiers: ClinVar variation 1513105 (VCV001513105.9), dbSNP rs78871539, ClinGen allele CA44464937.

ClinVar aggregate classification (germline): Uncertain significance. Review status: criteria provided, multiple submitters, no conflicts (2 of 4 stars). 2 submissions from 2 submitters: Uncertain significance (2). Last evaluated 2024-10-07.

Conditions:
Inborn genetic diseases. Identifiers: MedGen C0950123, MeSH D030342.

Allele frequency attached by ClinVar (database versions not stated): gnomAD exomes below 0.00001; gnomAD 0.00001 and 0.00002; TOPMed 0.00001; 1000 Genomes Project 0.00020; 1000 Genomes Project 30x 0.00031.
gnomAD v4.1: 4 of 1,611,854 alleles (0.00025%); highest among the groups gnomAD compares: African/African-American, 0.0053%; no homozygotes.

Submissions (2):

Ambry Genetics
Classification: Uncertain significance for Inborn genetic diseases. Last evaluated: 2024-10-07. Review status: criteria provided, single submitter. Criteria: Ambry Variant Classification Scheme 2023. Collection method: clinical testing. Allele origin: germline.

Labcorp Genetics (formerly Invitae), Labcorp
Classification: Uncertain significance. Last evaluated: 2021-05-27. Review status: criteria provided, single submitter. Criteria: Invitae Variant Classification Sherloc (09022015). Collection method: clinical testing. Allele origin: germline.
Comment: Algorithms developed to predict the effect of missense changes on protein structure and function (SIFT, PolyPhen-2, Align-GVGD) all suggest that this variant is likely to be tolerated, but these predictions have not been confirmed by published functional studies and their clinical significance is uncertain. In summary, the available evidence is currently insufficient to determine the role of this variant in disease. Therefore, it has been classified as a Variant of Uncertain Significance. This variant has not been reported in the literature in individuals with AGBL5-related conditions. This sequence change replaces valine with alanine at codon 552 of the AGBL5 protein (p.Val552Ala). The valine residue is moderately conserved and there is a small physicochemical difference between valine and alanine. This variant is not present in population databases (ExAC no frequency).